The following is an entry in ClinVar:

NM_004329.3(BMPR1A):c.845T>G (p.Leu282Arg)

Gene: BMPR1A (bone morphogenetic protein receptor type 1A; plus strand). Cytogenetic location: 10q23.2.
Variant type: single nucleotide variant.
Coding change: c.845T>G on transcript NM_004329.3 (MANE Select); coding-DNA position 845, T replaced by G.
Protein change: p.Leu282Arg; replaces leucine 282 with arginine.
Molecular consequence: missense variant.
Genome position (GRCh38, 1-based): chr10:86,917,303, T>G. VCF-style: chr10-86917303-T-G. GRCh37 (hg19) VCF-style: chr10-88677060-T-G.
Other names: c.845T>G, p.Leu282Arg (NM_001406562.1, NM_001406563.1, NM_001406564.1 and 19 more transcripts); c.920T>G, p.Leu307Arg (NM_001406559.1); c.893T>G, p.Leu298Arg (NM_001406560.1); c.839T>G, p.Leu280Arg (NM_001406583.1); c.761T>G, p.Leu254Arg (NM_001406584.1, NM_001406585.1, NM_001406586.1 and 2 more transcripts); c.503T>G, p.Leu168Arg (NM_001406589.1); short protein forms L168R, L280R, L298R, L254R, L307R, L282R.
Identifiers: ClinVar variation 2045150 (VCV002045150.5), dbSNP rs1386615932, ClinGen allele CA377458725.

ClinVar aggregate classification (germline): Uncertain significance. Review status: criteria provided, multiple submitters, no conflicts (2 of 4 stars). 2 submissions from 2 submitters: Uncertain significance (2). Last evaluated 2025-11-10.

Conditions:
Juvenile polyposis syndrome (JPS). Identifiers: Orphanet 2929, MedGen C0345893, MONDO:0017380, OMIM 174900.
Hereditary cancer-predisposing syndrome. Also called: Hereditary Cancer Syndrome; Tumor predisposition; Neoplastic Syndromes, Hereditary; Hereditary neoplastic syndrome. Identifiers: Orphanet 140162, MedGen C0027672, MeSH D009386, MONDO:0015356.

Submissions (2):

Labcorp Genetics (formerly Invitae), Labcorp
Classification: Uncertain significance for Juvenile polyposis syndrome. Last evaluated: 2025-11-10. Review status: criteria provided, single submitter. Criteria: Invitae Variant Classification Sherloc (09022015). Collection method: clinical testing. Allele origin: germline.
Comment: This sequence change replaces leucine, which is neutral and non-polar, with arginine, which is basic and polar, at codon 282 of the BMPR1A protein (p.Leu282Arg). This variant is not present in population databases (gnomAD no frequency). This variant has not been reported in the literature in individuals affected with BMPR1A-related conditions. ClinVar contains an entry for this variant (Variation ID: 2045150). Invitae Evidence Modeling of protein sequence and biophysical properties (such as structural, functional, and spatial information, amino acid conservation, physicochemical variation, residue mobility, and thermodynamic stability) has been performed for this missense variant. However, the output from this modeling did not meet the statistical confidence thresholds required to predict the impact of this variant on BMPR1A protein function. In summary, the available evidence is currently insufficient to determine the role of this variant in disease. Therefore, it has been classified as a Variant of Uncertain Significance.

Ambry Genetics
Classification: Uncertain significance for Hereditary cancer-predisposing syndrome. Last evaluated: 2024-05-26. Review status: criteria provided, single submitter. Criteria: Ambry Variant Classification Scheme 2023. Collection method: clinical testing. Allele origin: germline.
Comment: The p.L282R variant (also known as c.845T>G), located in coding exon 7 of the BMPR1A gene, results from a T to G substitution at nucleotide position 845. The leucine at codon 282 is replaced by arginine, an amino acid with dissimilar properties. This amino acid position is conserved. In addition, this alteration is predicted to be deleterious by in silico analysis. Based on the available evidence, the clinical significance of this variant remains unclear.